The following is an entry in ClinVar:

NM_005476.7(GNE):c.616+1del

Gene: GNE (glucosamine (UDP-N-acetyl)-2-epimerase/N-acetylmannosamine kinase; minus strand). Cytogenetic location: 9p13.3.
Variant type: Deletion.
Coding change: c.616+1del on transcript NM_005476.7 (MANE Select); the canonical splice donor site of the intron after coding-DNA position 616, one base deleted (G; older notation c.616+1delG).
Molecular consequence: splice donor variant.
Genome position (GRCh38, 1-based): chr9:36,246,030, C deleted on the plus strand (G on the coding strand, the reverse complement: GNE is on the minus strand); the first of 2 consecutive C bases (chr9:36,246,030-36,246,031); deleting either gives the same sequence. VCF-style (leftmost placement, unchanged base first): chr9-36246029-AC-A. GRCh37 (hg19) VCF-style: chr9-36246026-AC-A.
Other names: c.709+1delG (NM_001128227.2, NM_001128227.3); c.439+1del (NM_001190388.2, NM_001190384.3, NM_001374798.1); c.709+1del (NM_001128227.3); c.616+1del (NM_001374797.1, NM_001190383.3).
Identifiers: ClinVar variation 553323 (VCV000553323.10), dbSNP rs1554663295, ClinGen allele CA658822302.
Genomic context (GRCh38, chr9:36,246,029, plus strand): 5'-AATAGACGGAACATTTTCTGACAAAAACAGCCATTAGACTGACTAAAGTCTGAGATACGT[AC>A]CTAGCCACATGCGAATGATGCTCATGTAGTCTTTGTTCTTGGCTGAGAGAAGTTTGTCAT-3'

ClinVar aggregate classification (germline): Pathogenic. Review status: criteria provided, multiple submitters, no conflicts (2 of 4 stars). 4 submissions from 4 submitters: Pathogenic (3). 1 of the submissions does not count toward it. Last evaluated 2025-04-08.

Conditions:
GNE myopathy (NM). Also called: IBM 2; Inclusion body myopathy autosomal recessive; Inclusion body myopathy quadriceps sparing; NONAKA DISTAL MYOPATHY; INCLUSION BODY MYOPATHY, HEREDITARY, AUTOSOMAL RECESSIVE; INCLUSION BODY MYOPATHY 2, AUTOSOMAL RECESSIVE. Identifiers: Orphanet 602, MedGen C1853926, MONDO:0011603, OMIM 605820.

Submissions (4):

Variantyx, Inc.
Classification: Pathogenic for GNE myopathy. Last evaluated: 2025-04-08. Review status: criteria provided, single submitter. Criteria: Variantyx Assertion Criteria 2022. Collection method: clinical testing. Allele origin: germline. Inheritance: Autosomal recessive inheritance. Affected: yes.
Comment: This is a canonical splicing variant in the GNE gene (OMIM: 603824). Pathogenic variants in this gene have been associated with autosomal recessive Nonaka myopathy. This splicing variant is expected to result in loss of function, which is a known disease mechanism for GNE in this disorder (PMID: 24027297, 15146476) (PVS1). This variant has been identified in the compound heterozygous state in at least 2 individuals reported in the published literature (PMID: 15146476, 35723113) (PM3) and has a 0.0003% maximum allele frequency in non-founder control populations (PM2). Based on the current evidence, this variant is classified as pathogenic for autosomal recessive Nonaka myopathy.

Revvity Omics, Revvity
Classification: Pathogenic. Last evaluated: 2019-07-29. Review status: criteria provided, single submitter. Criteria: ACMG Guidelines, 2015. Collection method: clinical testing. Allele origin: germline.

Eurofins Ntd Llc (ga)
Classification: Pathogenic. Last evaluated: 2018-04-13. Review status: criteria provided, single submitter. Criteria: EGL ClinVar v180209 classification definitions. Collection method: clinical testing. Allele origin: germline. Observed: 1 variant allele, 1 heterozygote.

Counsyl
Classification: Likely pathogenic for GNE myopathy. Last evaluated: 2017-08-15. Review status: no assertion criteria provided. Collection method: clinical testing. Allele origin: unknown. Not counted in ClinVar's aggregate classification.

Literature cited by the submitters: PubMed 24027297 (cited by Variantyx, Inc.); PubMed 15146476 (cited by Variantyx, Inc. and Counsyl); PubMed 35723113 (cited by Variantyx, Inc.).